The following is an entry in ClinVar:

NM_000834.5(GRIN2B):c.2072C>T (p.Thr691Ile)

Gene: GRIN2B (glutamate ionotropic receptor NMDA type subunit 2B; minus strand). Cytogenetic location: 12p13.1.
Variant type: single nucleotide variant.
Coding change: c.2072C>T on transcript NM_000834.5 (MANE Select); coding-DNA position 2072, C replaced by T.
Protein change: p.Thr691Ile; replaces threonine 691 with isoleucine.
Molecular consequence: missense variant.
Genome position (GRCh38, 1-based): chr12:13,571,903, G>A on the plus strand (C>T on the coding strand, the complement: GRIN2B is on the minus strand). VCF-style: chr12-13571903-G-A. GRCh37 (hg19) VCF-style: chr12-13724837-G-A.
Other names: c.2072C>T, p.Thr691Ile (NM_001413992.1); short protein forms T691I.
Identifiers: ClinVar variation 3901878 (VCV003901878.1).
Genomic context (GRCh38, chr12:13,571,903, plus strand): 5'-TGGTTGAACTTTCCCATGTAGGCATGCATTTCTGCATAGTTATTGCGAATATTTCTCTCT[G>A]TGCTGCCGTTGGGCACGGTCCCAAAGCGGAAAGGGGGTGAGAAGTCATTAGGTCTCTGGA-3'
Protein context (NP_000825.2, residues 681-701): FRFGTVPNGS[Thr691Ile]ERNIRNNYAE

ClinVar aggregate classification (germline): Likely pathogenic (1 of 4 stars; one submission).

Conditions:
Developmental and epileptic encephalopathy, 27 (DEE27). Also called: GRIN2B-Related Neurodevelopmental Disorder; Epileptic encephalopathy, early infantile, 27. Identifiers: Orphanet 3451, MedGen C4015316, MONDO:0014505, OMIM 616139.

Submission:

Rare Disease Center, Seoul National University Hospital
Classification: Likely pathogenic for Developmental and epileptic encephalopathy, 27. Last evaluated: 2025-03-23. Review status: criteria provided, single submitter. Criteria: ACMG Guidelines, 2015. Collection method: provider interpretation. Allele origin: de novo. Affected: yes. Observed: 1 variant allele.
Comment: In addition, this variant is not present in population databases (gnomAD). Note: This variant was found in clinical genetic testing performed by one or more labs who may also submit to ClinVar. Therefore, any internal case data may overlap with the internal case data of other submitters. The classification and rationale are that of the Rare Disease Center, Seoul National University Hospital